The following is an entry in ClinVar:

NM_001277115.2(DNAH11):c.5947A>G (p.Ile1983Val)

Gene: DNAH11 (dynein axonemal heavy chain 11; plus strand). Cytogenetic location: 7p15.3.
Variant type: single nucleotide variant.
Coding change: c.5947A>G on transcript NM_001277115.2 (MANE Select); coding-DNA position 5947, A replaced by G.
Protein change: p.Ile1983Val; replaces isoleucine 1983 with valine.
Molecular consequence: missense variant.
Genome position (GRCh38, 1-based): chr7:21,690,787, A>G. VCF-style: chr7-21690787-A-G. GRCh37 (hg19) VCF-style: chr7-21730405-A-G.
Other names: c.5968A>G, p.Ile1990Val (NM_003777.3); short protein forms I1983V, I1990V.
Identifiers: ClinVar variation 1750646 (VCV001750646.5), dbSNP rs536513593, ClinGen allele CA366950432.

ClinVar aggregate classification (germline): Conflicting classifications of pathogenicity. Review status: criteria provided, conflicting classifications (1 of 4 stars). 2 submissions from 2 submitters: Uncertain significance (1); Likely benign (1). Last evaluated 2023-03-24.

Conditions:
Primary ciliary dyskinesia. Also called: Ciliary dyskinesia. Identifiers: Orphanet 244, MedGen C0008780, MONDO:0016575, HP:0012265.

gnomAD v4.1: 15 of 1,609,832 alleles (0.00093%); highest among the groups gnomAD compares: Middle Eastern, 0.017%; no homozygotes.

Submissions (2):

Labcorp Genetics (formerly Invitae), Labcorp
Classification: Likely benign for Primary ciliary dyskinesia. Last evaluated: 2023-03-24. Review status: criteria provided, single submitter. Criteria: Invitae Variant Classification Sherloc (09022015). Collection method: clinical testing. Allele origin: germline.

Ambry Genetics
Classification: Uncertain significance for Primary ciliary dyskinesia. Last evaluated: 2022-06-12. Review status: criteria provided, single submitter. Criteria: Ambry Variant Classification Scheme 2023. Collection method: clinical testing. Allele origin: germline.
Comment: The p.I1983V variant (also known as c.5947A>G), located in coding exon 35 of the DNAH11 gene, results from an A to G substitution at nucleotide position 5947. The isoleucine at codon 1983 is replaced by valine, an amino acid with highly similar properties. This amino acid position is conserved. In addition, this alteration is predicted to be tolerated by in silico analysis. Since supporting evidence is limited at this time, the clinical significance of this alteration remains unclear.